The following is an entry in ClinVar:

ClinVar aggregate classification (germline): Uncertain significance (1 of 4 stars; one submission).

Submission:

Labcorp Genetics (formerly Invitae), Labcorp
Classification: Uncertain significance. Last evaluated: 2024-06-25. Review status: criteria provided, single submitter. Criteria: Invitae Variant Classification Sherloc (09022015). Collection method: clinical testing. Allele origin: germline.
Comment: This sequence change replaces arginine, which is basic and polar, with glutamine, which is neutral and polar, at codon 337 of the CDCA7 protein (p.Arg337Gln). This variant is present in population databases (no rsID available, gnomAD 0.007%). This variant has not been reported in the literature in individuals affected with CDCA7-related conditions. Advanced modeling of protein sequence and biophysical properties (such as structural, functional, and spatial information, amino acid conservation, physicochemical variation, residue mobility, and thermodynamic stability) performed at Invitae indicates that this missense variant is not expected to disrupt CDCA7 protein function with a negative predictive value of 80%. In summary, the available evidence is currently insufficient to determine the role of this variant in disease. Therefore, it has been classified as a Variant of Uncertain Significance.

NM_031942.5(CDCA7):c.1010G>A (p.Arg337Gln)

Gene: CDCA7 (cell division cycle associated 7; plus strand). Cytogenetic location: 2q31.1.
Variant type: single nucleotide variant.
Coding change: c.1010G>A on transcript NM_031942.5 (MANE Select); coding-DNA position 1010, G replaced by A.
Protein change: p.Arg337Gln; replaces arginine 337 with glutamine.
Molecular consequence: missense variant.
Genome position (GRCh38, 1-based): chr2:173,365,567, G>A. VCF-style: chr2-173365567-G-A. GRCh37 (hg19) VCF-style: chr2-174230295-G-A.
Other names: c.773G>A, p.Arg258Gln (NM_145810.3); short protein forms R258Q, R337Q.
Identifiers: ClinVar variation 3701323 (VCV003701323.2).